The following is an entry in ClinVar:

NM_001377142.1(PLCB4):c.2154+8C>A

Gene: PLCB4 (phospholipase C beta 4; plus strand). Cytogenetic location: 20p12.2.
Variant type: single nucleotide variant.
Coding change: c.2154+8C>A on transcript NM_001377142.1 (MANE Select); 8 bases into the intron after coding-DNA position 2154, C replaced by A.
Molecular consequence: intron variant.
Genome position (GRCh38, 1-based): chr20:9,419,917, C>A. VCF-style: chr20-9419917-C-A. GRCh37 (hg19) VCF-style: chr20-9400564-C-A.
Other names: c.2118+8C>A (NM_001377134.2, NM_000933.4, NM_182797.3 and 2 more transcripts); c.2154+8C>A (NM_001377143.1, NM_001172646.2).
Identifiers: ClinVar variation 339573 (VCV000339573.11), dbSNP rs75492366, ClinGen allele CA9761301.
Genomic context (GRCh38, chr20:9,419,917, plus strand): 5'-CCTTCTCTGAAACTCCTGTTGATGGTGTTATTGCAGCCACTTGCTCAGTGCAGGTAAGGC[C>A]CCTGCTCATCACAAGGTAGTATAAATGTATACACAAGTGGTCCTTGAAAGAAATTATAAA-3'

ClinVar aggregate classification (germline): Benign/Likely benign. Review status: criteria provided, multiple submitters, no conflicts (2 of 4 stars). 4 submissions from 4 submitters: Benign (3); Likely benign (1). Last evaluated 2025-09-16.

Conditions:
Auriculocondylar syndrome 2 (ARCND2A). Also called: AURICULOCONDYLAR SYNDROME 2A. Identifiers: Orphanet 137888, MedGen C3553404, MONDO:0013845, OMIM 614669.
PLCB4-related disorder. Also called: PLCB4-related condition.

Allele frequency attached by ClinVar (database versions not stated): gnomAD exomes 0.00039 and 0.00106; ExAC 0.00126; 1000 Genomes Project 0.00359; gnomAD 0.00379 and 0.00407; 1000 Genomes Project 30x 0.00406; TOPMed 0.00406; ESP Exome Variant Server 0.00554.
gnomAD v4.1: 1,132 of 1,532,522 alleles (0.074%); highest among the groups gnomAD compares: African/African-American, 1.4%; 9 homozygotes.

Submissions (4):

Labcorp Genetics (formerly Invitae), Labcorp
Classification: Benign. Last evaluated: 2025-09-16. Review status: criteria provided, single submitter. Criteria: Invitae Variant Classification Sherloc (09022015). Collection method: clinical testing. Allele origin: germline.

PreventionGenetics, part of Exact Sciences
Classification: Benign for PLCB4-related condition. Last evaluated: 2025-05-29. Review status: criteria provided, single submitter. Criteria: ACMG Guidelines, 2015. Collection method: clinical testing. Allele origin: germline.
Comment: This variant is classified as benign based on ACMG/AMP sequence variant interpretation guidelines (Richards et al. 2015 PMID: 25741868, with internal and published modifications).

Blueprint Genetics
Classification: Likely benign. Last evaluated: 2024-08-06. Review status: criteria provided, single submitter. Criteria: ACMG Guidelines, 2015. Collection method: clinical testing. Allele origin: germline.

Illumina Laboratory Services, Illumina
Classification: Benign for Auriculocondylar syndrome 2. Last evaluated: 2018-01-12. Review status: criteria provided, single submitter. Criteria: ICSL Variant Classification Criteria 13 December 2019. Collection method: clinical testing. Allele origin: germline.
Comment: This variant was observed in the ICSL laboratory as part of a predisposition screen in an ostensibly healthy population. It had not been previously curated by ICSL or reported in the Human Gene Mutation Database (HGMD: prior to June 1st, 2018), and was therefore a candidate for classification through an automated scoring system. Utilizing variant allele frequency, disease prevalence and penetrance estimates, and inheritance mode, an automated score was calculated to assess if this variant is too frequent to cause the disease. Based on the score and internal cut-off values, a variant classified as benign is not then subjected to further curation. The score for this variant resulted in a classification of benign for this disease.